The following is an entry in ClinVar:

NM_001374353.1(GLI2):c.178G>A (p.Ala60Thr)

Gene: GLI2 (GLI family zinc finger 2; plus strand). Cytogenetic location: 2q14.2.
Variant type: single nucleotide variant.
Coding change: c.178G>A on transcript NM_001374353.1 (MANE Select); coding-DNA position 178, G replaced by A.
Protein change: p.Ala60Thr; replaces alanine 60 with threonine.
Molecular consequence: missense variant. On other transcripts: intron variant (1).
Genome position (GRCh38, 1-based): chr2:120,927,390, G>A. VCF-style: chr2-120927390-G-A. GRCh37 (hg19) VCF-style: chr2-121684966-G-A.
Other names: c.178G>A, p.Ala60Thr (NM_001371271.1, NM_005270.5); c.-121-23853G>A (NM_001374354.1); short protein forms A60T.
Identifiers: ClinVar variation 4875101 (VCV004875101.2).

ClinVar aggregate classification (germline): Likely benign (1 of 4 stars; one submission).

gnomAD v4.1: 1 of 1,613,920 alleles (0.000062%); highest among the groups gnomAD compares: South Asian, 0.0011%; no homozygotes.

Submission:

CeGaT Center for Human Genetics Tuebingen
Classification: Likely benign. Last evaluated: 2026-06-01. Review status: criteria provided, single submitter. Criteria: CeGaT Center For Human Genetics Tuebingen Variant Classification Criteria Version 2. Collection method: clinical testing. Allele origin: germline. Affected: yes. Observed: 1 variant allele.
Comment: GLI2: BP4